The following is an entry in ClinVar:

ClinVar aggregate classification (germline): Uncertain significance (1 of 4 stars; one submission).

Conditions:
Generalized epilepsy with febrile seizures plus, type 9 (GEFSP9). Also called: GEFS+, TYPE 9. Identifiers: Orphanet 36387, MedGen C4015395, MONDO:0014517, OMIM 616172.

Submission:

Labcorp Genetics (formerly Invitae), Labcorp
Classification: Uncertain significance for Generalized epilepsy with febrile seizures plus, type 9. Last evaluated: 2022-03-19. Review status: criteria provided, single submitter. Criteria: Invitae Variant Classification Sherloc (09022015). Collection method: clinical testing. Allele origin: germline.
Comment: This variant has not been reported in the literature in individuals affected with STX1B-related conditions. In summary, the available evidence is currently insufficient to determine the role of this variant in disease. Therefore, it has been classified as a Variant of Uncertain Significance. Algorithms developed to predict the effect of missense changes on protein structure and function (SIFT, PolyPhen-2, Align-GVGD) all suggest that this variant is likely to be tolerated. ClinVar contains an entry for this variant (Variation ID: 654046). This variant is not present in population databases (gnomAD no frequency). This sequence change replaces asparagine, which is neutral and polar, with aspartic acid, which is acidic and polar, at codon 199 of the STX1B protein (p.Asn199Asp).

NM_052874.5(STX1B):c.595A>G (p.Asn199Asp)

Gene: STX1B (syntaxin 1B; minus strand). Cytogenetic location: 16p11.2.
Variant type: single nucleotide variant.
Coding change: c.595A>G on transcript NM_052874.5 (MANE Select); coding-DNA position 595, A replaced by G.
Protein change: p.Asn199Asp; replaces asparagine 199 with aspartic acid.
Molecular consequence: missense variant.
Genome position (GRCh38, 1-based): chr16:30,993,427, T>C on the plus strand (A>G on the coding strand, the complement: STX1B is on the minus strand). VCF-style: chr16-30993427-T-C. GRCh37 (hg19) VCF-style: chr16-31004748-T-C.
Other names: short protein forms N199D.
Identifiers: ClinVar variation 654046 (VCV000654046.10), dbSNP rs1596714723, ClinGen allele CA395647368.